The following is an entry in ClinVar:

NM_004336.5(BUB1):c.650C>T (p.Ser217Leu)

Gene: BUB1 (BUB1 mitotic checkpoint serine/threonine kinase; minus strand). Cytogenetic location: 2q13.
Variant type: single nucleotide variant.
Coding change: c.650C>T on transcript NM_004336.5 (MANE Select); coding-DNA position 650, C replaced by T.
Protein change: p.Ser217Leu; replaces serine 217 with leucine.
Molecular consequence: missense variant.
Genome position (GRCh38, 1-based): chr2:110,667,676, G>A on the plus strand (C>T on the coding strand, the complement: BUB1 is on the minus strand). VCF-style: chr2-110667676-G-A. GRCh37 (hg19) VCF-style: chr2-111425253-G-A.
Other names: c.590C>T, p.Ser197Leu (NM_001278616.2); c.650C>T, p.Ser217Leu (NM_001278617.2); short protein forms S217L, S197L.
Identifiers: ClinVar variation 1753957 (VCV001753957.2), dbSNP rs2468028432, ClinGen allele CA348218014.

ClinVar aggregate classification (germline): Uncertain significance (1 of 4 stars; one submission).

Allele frequency attached by ClinVar (database versions not stated): gnomAD exomes below 0.00001.
gnomAD v4.1: 1 of 1,613,182 alleles (0.000062%); highest among the groups gnomAD compares: Non-Finnish European, 0.000085%; no homozygotes.

Submission:

Ambry Genetics
Classification: Uncertain significance. Last evaluated: 2022-10-17. Review status: criteria provided, single submitter. Criteria: Ambry Variant Classification Scheme 2023. Collection method: clinical testing. Allele origin: germline.
Comment: The p.S217L variant (also known as c.650C>T), located in coding exon 8 of the BUB1 gene, results from a C to T substitution at nucleotide position 650. The serine at codon 217 is replaced by leucine, an amino acid with dissimilar properties. This amino acid position is conserved. In addition, the in silico prediction for this alteration is inconclusive. Since supporting evidence is limited at this time, the clinical significance of this alteration remains unclear.